The following is an entry in ClinVar:

NM_001352754.2(ARMC9):c.2143G>T (p.Ala715Ser)

Genes: ARMC9 (armadillo repeat containing 9; plus strand), LOC122861306 (Sharpr-MPRA regulatory region 9410; plus strand). Cytogenetic location: 2q37.1.
Variant type: single nucleotide variant.
Coding change: c.2143G>T on transcript NM_001352754.2 (MANE Select); coding-DNA position 2143, G replaced by T.
Protein change: p.Ala715Ser; replaces alanine 715 with serine.
Molecular consequence: missense variant.
Genome position (GRCh38, 1-based): chr2:231,360,765, G>T. VCF-style: chr2-231360765-G-T. GRCh37 (hg19) VCF-style: chr2-232225477-G-T.
Other names: c.2143G>T, p.Ala715Ser (NM_001271466.4); short protein forms A715S.
Identifiers: ClinVar variation 1003711 (VCV001003711.10), dbSNP rs748686282, ClinGen allele CA350958037.
Genomic context (GRCh38, chr2:231,360,765, plus strand): 5'-GAGGGGCTCCAGAGCAGATGTGGACTGAACTTTCTCTCCTCCTCCCCAGCAGCCATCATC[G>T]CCAAGCCAGGAGAGTGGCTCCCAAGAGGACGCCAGGAAGAGCCTCGCCCAGCCCCCACGG-3'
Protein context (NP_001339683.2, residues 705-725): SCVSSSSAII[Ala715Ser]KPGEWLPRGR

ClinVar aggregate classification (germline): Uncertain significance (1 of 4 stars; one submission).

gnomAD v4.1: 2 of 1,536,164 alleles (0.00013%); highest among the groups gnomAD compares: Non-Finnish European, 0.000087%; no homozygotes.

Submission:

Labcorp Genetics (formerly Invitae), Labcorp
Classification: Uncertain significance. Last evaluated: 2022-06-27. Review status: criteria provided, single submitter. Criteria: Invitae Variant Classification Sherloc (09022015). Collection method: clinical testing. Allele origin: germline.
Comment: In summary, the available evidence is currently insufficient to determine the role of this variant in disease. Therefore, it has been classified as a Variant of Uncertain Significance. Experimental studies and prediction algorithms are not available or were not evaluated, and the functional significance of this variant is currently unknown. ClinVar contains an entry for this variant (Variation ID: 1003711). This variant has not been reported in the literature in individuals affected with ARMC9-related conditions. This variant is present in population databases (no rsID available, gnomAD 0.002%). This sequence change replaces alanine, which is neutral and non-polar, with serine, which is neutral and polar, at codon 715 of the ARMC9 protein (p.Ala715Ser).